The following is an entry in ClinVar:

NC_000023.10:g.(?_31747728)_(31947882_?)del

Gene: DMD (dystrophin; minus strand). Cytogenetic location: Xp21.1.
Variant type: Deletion.
Identifiers: ClinVar variation 1459772 (VCV001459772.5).

ClinVar aggregate classification (germline): Pathogenic (1 of 4 stars; one submission).

Conditions:
Duchenne muscular dystrophy (DMD). Also called: Duchenne Muscular Dystrophy (DMD); MUSCULAR DYSTROPHY, PSEUDOHYPERTROPHIC PROGRESSIVE, DUCHENNE TYPE. Identifiers: Orphanet 98896, MedGen C0013264, MONDO:0010679, OMIM 310200.

Submission:

Labcorp Genetics (formerly Invitae), Labcorp
Classification: Pathogenic for Duchenne muscular dystrophy. Last evaluated: 2021-07-02. Review status: criteria provided, single submitter. Criteria: Invitae Variant Classification Sherloc (09022015). Collection method: clinical testing. Allele origin: germline.
Comment: This variant is a gross deletion of the genomic region encompassing exon(s) 47-52 of the DMD gene. This deletion is out-of-frame, and is expected to create a premature translational stop signal and result in an absent or disrupted protein product. Loss-of-function variants in DMD are known to be pathogenic (PMID: 16770791, 25007885). A similar copy number variant has been observed in individuals with Duchenne or Becker muscular dystrophy (PMID: 22090376, 27206868). For these reasons, this variant has been classified as Pathogenic.

Literature cited by the submitters: PubMed 16770791; PubMed 25007885; PubMed 22090376; PubMed 27206868.